The following is an entry in ClinVar:

NM_001376.5(DYNC1H1):c.137G>T (p.Gly46Val)

Gene: DYNC1H1 (dynein cytoplasmic 1 heavy chain 1; plus strand). Cytogenetic location: 14q32.31.
Variant type: single nucleotide variant.
Coding change: c.137G>T on transcript NM_001376.5 (MANE Select); coding-DNA position 137, G replaced by T.
Protein change: p.Gly46Val; replaces glycine 46 with valine.
Molecular consequence: missense variant.
Genome position (GRCh38, 1-based): chr14:101,964,828, G>T. VCF-style: chr14-101964828-G-T. GRCh37 (hg19) VCF-style: chr14-102431165-G-T.
Other names: short protein forms G46V.
Identifiers: ClinVar variation 575849 (VCV000575849.10), dbSNP rs1566991081, ClinGen allele CA391003408.

ClinVar aggregate classification (germline): Uncertain significance. Review status: criteria provided, multiple submitters, no conflicts (2 of 4 stars). 2 submissions from 2 submitters: Uncertain significance (2). Last evaluated 2026-02-03.

Conditions:
Charcot-Marie-Tooth disease axonal type 2O. Also called: CHARCOT-MARIE-TOOTH NEUROPATHY, AXONAL, TYPE 2O; CHARCOT-MARIE-TOOTH DISEASE, AXONAL, AUTOSOMAL DOMINANT, TYPE 2O; Charcot-Marie-Tooth Neuropathy Type 2O; Charcot-Marie-Tooth disease, axonal, type 20. Identifiers: Orphanet 284232, MedGen C3280220, MONDO:0013644, OMIM 614228.

Allele frequency attached by ClinVar (database versions not stated): gnomAD exomes below 0.00001.
gnomAD v4.1: 1 of 1,601,186 alleles (0.000062%); highest among the groups gnomAD compares: African/African-American, 0.0013%; no homozygotes.

Submissions (2):

GeneDx
Classification: Uncertain significance. Last evaluated: 2026-02-03. Review status: criteria provided, single submitter. Criteria: GeneDx Variant Classification Process June 2021. Collection method: clinical testing. Allele origin: germline.
Comment: Not observed at significant frequency in large population cohorts (gnomAD); In silico analysis suggests that this missense variant does not alter protein structure/function; Has not been previously published as pathogenic or benign to our knowledge

Labcorp Genetics (formerly Invitae), Labcorp
Classification: Uncertain significance for Charcot-Marie-Tooth disease axonal type 2O. Last evaluated: 2023-05-25. Review status: criteria provided, single submitter. Criteria: Invitae Variant Classification Sherloc (09022015). Collection method: clinical testing. Allele origin: germline.
Comment: In summary, the available evidence is currently insufficient to determine the role of this variant in disease. Therefore, it has been classified as a Variant of Uncertain Significance. Advanced modeling of protein sequence and biophysical properties (such as structural, functional, and spatial information, amino acid conservation, physicochemical variation, residue mobility, and thermodynamic stability) performed at Invitae indicates that this missense variant is not expected to disrupt DYNC1H1 protein function. ClinVar contains an entry for this variant (Variation ID: 575849). This variant has not been reported in the literature in individuals affected with DYNC1H1-related conditions. This variant is not present in population databases (gnomAD no frequency). This sequence change replaces glycine, which is neutral and non-polar, with valine, which is neutral and non-polar, at codon 46 of the DYNC1H1 protein (p.Gly46Val).